The following is an entry in ClinVar:

ClinVar aggregate classification (germline): Uncertain significance (1 of 4 stars; one submission).

Conditions:
Autosomal recessive polycystic kidney disease (ARPKD). Also called: AR polycystic kidney disease. Identifiers: Orphanet 731, Orphanet 8378, MedGen C0085548, MeSH D017044, MONDO:0009889.

Allele frequency attached by ClinVar (database versions not stated): gnomAD exomes below 0.00001; ExAC 0.00001.

Submission:

Labcorp Genetics (formerly Invitae), Labcorp
Classification: Uncertain significance for Autosomal recessive polycystic kidney disease. Last evaluated: 2021-10-02. Review status: criteria provided, single submitter. Criteria: Invitae Variant Classification Sherloc (09022015). Collection method: clinical testing. Allele origin: germline.
Comment: In summary, the available evidence is currently insufficient to determine the role of this variant in disease. Therefore, it has been classified as a Variant of Uncertain Significance. Advanced modeling of protein sequence and biophysical properties (such as structural, functional, and spatial information, amino acid conservation, physicochemical variation, residue mobility, and thermodynamic stability) performed at Invitae indicates that this missense variant is not expected to disrupt PKHD1 protein function. This variant has not been reported in the literature in individuals affected with PKHD1-related conditions. This variant is present in population databases (rs745429712, ExAC 0.002%). This sequence change replaces threonine with proline at codon 1493 of the PKHD1 protein (p.Thr1493Pro). The threonine residue is moderately conserved and there is a small physicochemical difference between threonine and proline.

NM_138694.4(PKHD1):c.4477A>C (p.Thr1493Pro)

Gene: PKHD1 (PKHD1 ciliary IPT domain containing fibrocystin/polyductin; minus strand). Cytogenetic location: 6p12.2.
Variant type: single nucleotide variant.
Coding change: c.4477A>C on transcript NM_138694.4 (MANE Select); coding-DNA position 4477, A replaced by C.
Protein change: p.Thr1493Pro; replaces threonine 1493 with proline.
Molecular consequence: missense variant.
Genome position (GRCh38, 1-based): chr6:52,025,333, T>G on the plus strand (A>C on the coding strand, the complement: PKHD1 is on the minus strand). VCF-style: chr6-52025333-T-G. GRCh37 (hg19) VCF-style: chr6-51890131-T-G.
Other names: c.4477A>C, p.Thr1493Pro (NM_170724.3); short protein forms T1493P.
Identifiers: ClinVar variation 1384115 (VCV001384115.6), dbSNP rs745429712, ClinGen allele CA3852713.